The following is an entry in ClinVar:

ClinVar aggregate classification (germline): Likely benign (1 of 4 stars; one submission).

Conditions:
MICU1-related disorder. Also called: MICU1-related condition.

gnomAD v4.1: 26 of 1,231,580 alleles (0.0021%); highest among the groups gnomAD compares: Admixed American, 0.034%; no homozygotes.

Submission:

PreventionGenetics, part of Exact Sciences
Classification: Likely benign for MICU1-related condition. Last evaluated: 2025-07-25. Review status: criteria provided, single submitter. Criteria: ACMG Guidelines, 2015. Collection method: clinical testing. Allele origin: germline.
Comment: This variant is classified as likely benign based on ACMG/AMP sequence variant interpretation guidelines (Richards et al. 2015 PMID: 25741868, with internal and published modifications).

NM_001195518.2(MICU1):c.537+8995A>T

Gene: MICU1 (mitochondrial calcium uptake 1; minus strand). Cytogenetic location: 10q22.1.
Variant type: single nucleotide variant.
Coding change: c.537+8995A>T on transcript NM_001195518.2 (MANE Select); 8995 bases into the intron after coding-DNA position 537, A replaced by T.
Molecular consequence: intron variant.
Genome position (GRCh38, 1-based): chr10:72,524,751, T>A on the plus strand (A>T on the coding strand, the complement: MICU1 is on the minus strand). VCF-style: chr10-72524751-T-A. GRCh37 (hg19) VCF-style: chr10-74284509-T-A.
Other names: c.204+8995A>T (NM_001441228.1); c.438+8995A>T (NM_001441226.1); c.537+8995A>T (NM_001441229.1, NM_001441227.1, NM_001441224.1 and 6 more transcripts); c.-33+8995A>T (NM_001441233.1); c.-169+8995A>T (NM_001441231.1); c.538-5A>T (NM_001363513.2); c.768+6709A>T (NM_001441218.1); c.42+6709A>T (NM_001441230.1); and 1 more.
Identifiers: ClinVar variation 4986589 (VCV004986589.1).